The following is an entry in ClinVar:

ClinVar aggregate classification (germline): Benign/Likely benign. Review status: criteria provided, single submitter (1 of 4 stars). 3 submissions from 1 submitter: Benign (1); Likely benign (2). Last evaluated 2018-01-12.

Conditions:
Hereditary spherocytosis type 4. Also called: SLC4A1-Related Spherocytosis. Identifiers: Orphanet 822, MedGen C2675212, MONDO:0012981, OMIM 612653.
Autosomal dominant distal renal tubular acidosis (DRTA1). Also called: RTA, CLASSIC TYPE; RTA, DISTAL TYPE, AUTOSOMAL DOMINANT; RTA, GRADIENT TYPE; Renal Tubular Acidosis, Type I; RENAL TUBULAR ACIDOSIS, DISTAL, 1. Identifiers: Orphanet 93608, MedGen CN280572, MONDO:0008368, OMIM 179800.
Hemolytic anemia. Identifiers: MedGen C0002878, MONDO:0003664, HP:0001878.

Allele frequency attached by ClinVar (database versions not stated): 1000 Genomes Project 30x 0.00141; 1000 Genomes Project 0.00160; TOPMed 0.00209; gnomAD 0.00288 and 0.00300; gnomAD exomes 0.00389 and 0.00425; ExAC 0.00689.
gnomAD v4.1: 1,708 of 448,152 alleles (0.38%); highest among the groups gnomAD compares: South Asian, 0.68%; 14 homozygotes.

Submissions (3):

Illumina Laboratory Services, Illumina
Classification: Likely benign for Hereditary spherocytosis type 4. Last evaluated: 2018-01-12. Review status: criteria provided, single submitter. Criteria: ICSL Variant Classification Criteria 13 December 2019. Collection method: clinical testing. Allele origin: germline.
Comment: This variant was observed in the ICSL laboratory as part of a predisposition screen in an ostensibly healthy population. It had not been previously curated by ICSL or reported in the Human Gene Mutation Database (HGMD: prior to June 1st, 2018), and was therefore a candidate for classification through an automated scoring system. Utilizing variant allele frequency, disease prevalence and penetrance estimates, and inheritance mode, an automated score was calculated to assess if this variant is too frequent to cause the disease. Based on the score and internal cut-off values, a variant classified as likely benign is not then subjected to further curation. The score for this variant resulted in a classification of likely benign for this disease.

Illumina Laboratory Services, Illumina
Classification: Benign for Autosomal dominant distal renal tubular acidosis. Last evaluated: 2018-01-12. Review status: criteria provided, single submitter. Criteria: ICSL Variant Classification Criteria 13 December 2019. Collection method: clinical testing. Allele origin: germline.
Comment: This variant was observed in the ICSL laboratory as part of a predisposition screen in an ostensibly healthy population. It had not been previously curated by ICSL or reported in the Human Gene Mutation Database (HGMD: prior to June 1st, 2018), and was therefore a candidate for classification through an automated scoring system. Utilizing variant allele frequency, disease prevalence and penetrance estimates, and inheritance mode, an automated score was calculated to assess if this variant is too frequent to cause the disease. Based on the score and internal cut-off values, a variant classified as benign is not then subjected to further curation. The score for this variant resulted in a classification of benign for this disease.

Illumina Laboratory Services, Illumina
Classification: Likely benign for Hemolytic anemia. Last evaluated: 2018-01-12. Review status: criteria provided, single submitter. Criteria: ICSL Variant Classification Criteria 13 December 2019. Collection method: clinical testing. Allele origin: germline.
Comment: the same text as in the submission from Illumina Laboratory Services, Illumina above.

NM_000342.4(SLC4A1):c.*1227A>C

Gene: SLC4A1 (solute carrier family 4 member 1 (Diego blood group); minus strand). Cytogenetic location: 17q21.31.
Variant type: single nucleotide variant.
Coding change: c.*1227A>C on transcript NM_000342.4 (MANE Select); 1227 bases downstream of the stop codon, A replaced by C.
Molecular consequence: 3 prime UTR variant.
Genome position (GRCh38, 1-based): chr17:44,249,231, T>G on the plus strand (A>C on the coding strand, the complement: SLC4A1 is on the minus strand). VCF-style: chr17-44249231-T-G. GRCh37 (hg19) VCF-style: chr17-42326599-T-G.
Identifiers: ClinVar variation 323486 (VCV000323486.5), dbSNP rs141425539, ClinGen allele CA8599931.